The following is an entry in ClinVar:

ClinVar aggregate classification (germline): Uncertain significance. Review status: criteria provided, single submitter (1 of 4 stars). 2 submissions from 2 submitters: Uncertain significance (1). 1 of the submissions does not count toward it. Last evaluated 2026-06-17.

Conditions:
Inborn genetic diseases. Identifiers: MedGen C0950123, MeSH D030342.
GLI2-related disorder. Also called: GLI2-related condition; GLI2-related disorders.

Allele frequency attached by ClinVar (database versions not stated): gnomAD exomes 0.00001; TOPMed below 0.00001; ExAC 0.00001; gnomAD 0.00001.
gnomAD v4.1: 9 of 1,613,856 alleles (0.00056%); highest among the groups gnomAD compares: African/African-American, 0.0013%; no homozygotes.

Submissions (2):

Ambry Genetics
Classification: Uncertain significance for Inborn genetic diseases. Last evaluated: 2026-06-17. Review status: criteria provided, single submitter. Criteria: Ambry Variant Classification Scheme 2023. Collection method: clinical testing. Allele origin: germline.

PreventionGenetics, part of Exact Sciences
Classification: Uncertain significance for GLI2-related condition. Last evaluated: 2024-05-19. Review status: no assertion criteria provided. Collection method: clinical testing. Allele origin: germline. Not counted in ClinVar's aggregate classification.
Comment: The GLI2 c.1585G>A variant is predicted to result in the amino acid substitution p.Gly529Arg. To our knowledge, this variant has not been reported in the literature. This variant is reported in 0.0062% of alleles in individuals of African descent in gnomAD. At this time, the clinical significance of this variant is uncertain due to the absence of conclusive functional and genetic evidence.

NM_001374353.1(GLI2):c.1534G>A (p.Gly512Arg)

Gene: GLI2 (GLI family zinc finger 2; plus strand). Cytogenetic location: 2q14.2.
Variant type: single nucleotide variant.
Coding change: c.1534G>A on transcript NM_001374353.1 (MANE Select); coding-DNA position 1534, G replaced by A.
Protein change: p.Gly512Arg; replaces glycine 512 with arginine.
Molecular consequence: missense variant.
Genome position (GRCh38, 1-based): chr2:120,982,782, G>A. VCF-style: chr2-120982782-G-A. GRCh37 (hg19) VCF-style: chr2-121740358-G-A.
Other names: c.1585G>A, p.Gly529Arg (NM_001371271.1, NM_005270.5); c.1159G>A, p.Gly387Arg (NM_001374354.1); short protein forms G387R, G512R, G529R.
Identifiers: ClinVar variation 2633469 (VCV002633469.3), dbSNP rs772643710, ClinGen allele CA1851953.